The following is an entry in ClinVar:

NM_138638.5(CFL2):c.*285A>G

Gene: CFL2 (cofilin 2; minus strand). Cytogenetic location: 14q13.1.
Variant type: single nucleotide variant.
Coding change: c.*285A>G on transcript NM_138638.5 (MANE Select); 285 bases downstream of the stop codon, A replaced by G.
Molecular consequence: 3 prime UTR variant. On other transcripts: non-coding transcript variant (2).
Genome position (GRCh38, 1-based): chr14:34,712,580, T>C on the plus strand (A>G on the coding strand, the complement: CFL2 is on the minus strand). VCF-style: chr14-34712580-T-C. GRCh37 (hg19) VCF-style: chr14-35181786-T-C.
Other names: c.*285A>G (NM_001243645.2, NM_021914.8).
Identifiers: ClinVar variation 313094 (VCV000313094.8), dbSNP rs9789, ClinGen allele CA7152223.

ClinVar aggregate classification (germline): Benign. Review status: criteria provided, multiple submitters, no conflicts (2 of 4 stars). 3 submissions from 3 submitters: Benign (3). Last evaluated 2018-06-19.

Conditions:
Nemaline myopathy 7 (NEM7). Also called: Nemaline myopathy 7, autosomal recessive. Identifiers: Orphanet 171436, MedGen C1853154, MONDO:0012538, OMIM 610687.

Allele frequency attached by ClinVar (database versions not stated): ExAC 0.25630; gnomAD 0.27476 and 0.27894; TOPMed 0.28571; 1000 Genomes Project 0.30990; 1000 Genomes Project 30x 0.31715.

Submissions (3):

GeneDx
Classification: Benign. Last evaluated: 2018-06-19. Review status: criteria provided, single submitter. Criteria: GeneDx Variant Classification Process June 2021. Collection method: clinical testing. Allele origin: germline. Affected: yes.

Illumina Laboratory Services, Illumina
Classification: Benign for Nemaline myopathy 7. Last evaluated: 2018-01-12. Review status: criteria provided, single submitter. Criteria: ICSL Variant Classification Criteria 13 December 2019. Collection method: clinical testing. Allele origin: germline.
Comment: This variant was observed in the ICSL laboratory as part of a predisposition screen in an ostensibly healthy population. It had not been previously curated by ICSL or reported in the Human Gene Mutation Database (HGMD: prior to June 1st, 2018), and was therefore a candidate for classification through an automated scoring system. Utilizing variant allele frequency, disease prevalence and penetrance estimates, and inheritance mode, an automated score was calculated to assess if this variant is too frequent to cause the disease. Based on the score and internal cut-off values, a variant classified as benign is not then subjected to further curation. The score for this variant resulted in a classification of benign for this disease.

Breakthrough Genomics
Classification: Benign. Review status: criteria provided, single submitter. Criteria: ACMG Guidelines, 2015. Collection method: not provided. Allele origin: germline. Inheritance: Autosomal recessive inheritance. Affected: yes.